The following is an entry in ClinVar:

ClinVar aggregate classification (germline): Uncertain significance (1 of 4 stars; one submission).

Submission:

GeneDx
Classification: Uncertain significance. Last evaluated: 2025-01-31. Review status: criteria provided, single submitter. Criteria: GeneDx Variant Classification Process June 2021. Collection method: clinical testing. Allele origin: germline. Affected: yes.
Comment: Not observed at significant frequency in large population cohorts (gnomAD); In silico analysis supports that this missense variant has a deleterious effect on protein structure/function; Has not been previously published as pathogenic or benign to our knowledge

NM_001395002.1(MAP4K4):c.1127T>C (p.Leu376Pro)

Gene: MAP4K4 (mitogen-activated protein kinase kinase kinase kinase 4; plus strand). Cytogenetic location: 2q11.2.
Variant type: single nucleotide variant.
Coding change: c.1127T>C on transcript NM_001395002.1 (MANE Select); coding-DNA position 1127, T replaced by C.
Protein change: p.Leu376Pro; replaces leucine 376 with proline.
Molecular consequence: missense variant. On other transcripts: non-coding transcript variant (4).
Genome position (GRCh38, 1-based): chr2:101,844,205, T>C. VCF-style: chr2-101844205-T-C. GRCh37 (hg19) VCF-style: chr2-102460667-T-C.
Other names: c.1127T>C, p.Leu376Pro (NM_001242559.2, NM_001242560.2, NM_001384476.1 and 28 more transcripts); c.1100T>C, p.Leu367Pro (NM_001384549.1, NM_001384550.1, NM_001384551.1 and 16 more transcripts); short protein forms L367P, L376P.
Identifiers: ClinVar variation 4072631 (VCV004072631.1).